The following is an entry in ClinVar:

NM_004366.6(CLCN2):c.2310+3A>T

Gene: CLCN2 (chloride voltage-gated channel 2; minus strand). Cytogenetic location: 3q27.1.
Variant type: single nucleotide variant.
Coding change: c.2310+3A>T on transcript NM_004366.6 (MANE Select); 3 bases into the intron after coding-DNA position 2310, A replaced by T.
Molecular consequence: intron variant.
Genome position (GRCh38, 1-based): chr3:184,352,290, T>A on the plus strand (A>T on the coding strand, the complement: CLCN2 is on the minus strand). VCF-style: chr3-184352290-T-A. GRCh37 (hg19) VCF-style: chr3-184070078-T-A.
Other names: c.2178+3A>T (NM_001171088.3); c.2259+3A>T (NM_001171087.3); c.2310+3A>T (NM_001171089.3).
Identifiers: ClinVar variation 3690927 (VCV003690927.2).
Genomic context (GRCh38, chr3:184,352,290, plus strand): 5'-AGCCAACATGATGATTGAACACAACCAGGAAGAAACAGGGTCCAGAGTCCAGTGGCACCT[T>A]ACCTCTTCAGGGCTCATCTCGCCTTCCAGGTCCGCGTCACTCTAGTAGAGAGGGAGGGAG-3'

ClinVar aggregate classification (germline): Uncertain significance (1 of 4 stars; one submission).

Submission:

Labcorp Genetics (formerly Invitae), Labcorp
Classification: Uncertain significance. Last evaluated: 2024-10-10. Review status: criteria provided, single submitter. Criteria: Invitae Variant Classification Sherloc (09022015). Collection method: clinical testing. Allele origin: germline.
Comment: This sequence change falls in intron 21 of the CLCN2 gene. It does not directly change the encoded amino acid sequence of the CLCN2 protein. It affects a nucleotide within the consensus splice site. This variant is not present in population databases (gnomAD no frequency). This variant has not been reported in the literature in individuals affected with CLCN2-related conditions. Variants that disrupt the consensus splice site are a relatively common cause of aberrant splicing (PMID: 17576681, 9536098). Algorithms developed to predict the effect of sequence changes on RNA splicing suggest that this variant may disrupt the consensus splice site. In summary, the available evidence is currently insufficient to determine the role of this variant in disease. Therefore, it has been classified as a Variant of Uncertain Significance.

Literature cited by the submitters: PubMed 17576681; PubMed 9536098.